The following is an entry in ClinVar:

ClinVar aggregate classification (germline): Conflicting classifications of pathogenicity. Review status: criteria provided, conflicting classifications (1 of 4 stars). 5 submissions from 5 submitters: Uncertain significance (1); Likely benign (3). 1 of the submissions does not count toward it. Last evaluated 2026-02-02.

Conditions:
Cohen syndrome (COH1). Also called: PEPPER SYNDROME; Cutis verticis gyrata, retinitis pigmentosa, and sensorineural deafness. Identifiers: Orphanet 193, MedGen C0265223, MONDO:0008999, OMIM 216550.
VPS13B-related disorder. Also called: VPS13B-related condition.

Allele frequency attached by ClinVar (database versions not stated): ESP Exome Variant Server 0.00015; ExAC 0.00002; gnomAD exomes 0.00003 and 0.00006; gnomAD 0.00004 and 0.00005; TOPMed 0.00005.
gnomAD v4.1: 99 of 1,614,038 alleles (0.0061%); highest among the groups gnomAD compares: Non-Finnish European, 0.0079%; no homozygotes.

Submissions (5):

Labcorp Genetics (formerly Invitae), Labcorp
Classification: Likely benign for Cohen syndrome. Last evaluated: 2026-02-02. Review status: criteria provided, single submitter. Criteria: Invitae Variant Classification Sherloc (09022015). Collection method: clinical testing. Allele origin: germline.

Blueprint Genetics
Classification: Likely benign. Last evaluated: 2024-06-25. Review status: criteria provided, single submitter. Criteria: ACMG Guidelines, 2015. Collection method: clinical testing. Allele origin: germline.

CeGaT Center for Human Genetics Tuebingen
Classification: Likely benign. Last evaluated: 2022-09-01. Review status: criteria provided, single submitter. Criteria: CeGaT Center For Human Genetics Tuebingen Variant Classification Criteria Version 2. Collection method: clinical testing. Allele origin: germline. Affected: yes. Observed: 2 variant alleles.
Comment: VPS13B: BP4, BP7

Illumina Laboratory Services, Illumina
Classification: Uncertain significance for Cohen syndrome. Last evaluated: 2018-01-12. Review status: criteria provided, single submitter. Criteria: ICSL Variant Classification Criteria 13 December 2019. Collection method: clinical testing. Allele origin: germline.

PreventionGenetics, part of Exact Sciences
Classification: Likely benign for VPS13B-related condition. Last evaluated: 2019-03-05. Review status: no assertion criteria provided. Collection method: clinical testing. Allele origin: germline. Not counted in ClinVar's aggregate classification.
Comment: This variant is classified as likely benign based on ACMG/AMP sequence variant interpretation guidelines (Richards et al. 2015 PMID: 25741868, with internal and published modifications).

NM_152564.5(VPS13B):c.9876T>G (p.Val3292=)

Gene: VPS13B (vacuolar protein sorting 13 homolog B; plus strand). Cytogenetic location: 8q22.2.
Variant type: single nucleotide variant.
Coding change: c.9876T>G on transcript NM_152564.5 (MANE Select); coding-DNA position 9876, T replaced by G.
Protein change: p.Val3292=; no amino-acid change (valine 3292 retained).
Molecular consequence: synonymous variant.
Genome position (GRCh38, 1-based): chr8:99,835,672, T>G. VCF-style: chr8-99835672-T-G. GRCh37 (hg19) VCF-style: chr8-100847900-T-G.
Other names: c.9951T>G, p.Val3317= (NM_017890.5); c.9876T>G (NM_152564.4).
Identifiers: ClinVar variation 771799 (VCV000771799.41), dbSNP rs143728471, ClinGen allele CA4824817.